The following is an entry in ClinVar:

NM_000208.4(INSR):c.2599G>A (p.Val867Ile)

Gene: INSR (insulin receptor; minus strand). Cytogenetic location: 19p13.2.
Variant type: single nucleotide variant.
Coding change: c.2599G>A on transcript NM_000208.4 (MANE Select); coding-DNA position 2599, G replaced by A.
Protein change: p.Val867Ile; replaces valine 867 with isoleucine.
Molecular consequence: missense variant.
Genome position (GRCh38, 1-based): chr19:7,141,760, C>T on the plus strand (G>A on the coding strand, the complement: INSR is on the minus strand). VCF-style: chr19-7141760-C-T. GRCh37 (hg19) VCF-style: chr19-7141771-C-T.
Other names: c.2563G>A, p.Val855Ile (NM_001079817.3); short protein forms V867I, V855I.
Identifiers: ClinVar variation 2347314 (VCV002347314.3), dbSNP rs766938463, ClinGen allele CA9135503.

ClinVar aggregate classification (germline): Uncertain significance. Review status: criteria provided, multiple submitters, no conflicts (2 of 4 stars). 2 submissions from 2 submitters: Uncertain significance (2). Last evaluated 2025-02-24.

Conditions:
Inborn genetic diseases. Identifiers: MedGen C0950123, MeSH D030342.

Allele frequency attached by ClinVar (database versions not stated): ExAC 0.00002; gnomAD 0.00002; gnomAD exomes 0.00002; TOPMed 0.00003.
gnomAD v4.1: 29 of 1,614,066 alleles (0.0018%); highest among the groups gnomAD compares: East Asian, 0.027%; no homozygotes.

Submissions (2):

Women's Health and Genetics/Laboratory Corporation of America, LabCorp
Classification: Uncertain significance. Last evaluated: 2025-02-24. Review status: criteria provided, single submitter. Criteria: LabCorp Variant Classification Summary - May 2015. Collection method: clinical testing. Allele origin: germline.
Comment: Variant summary: INSR c.2599G>A (p.Val867Ile) results in a conservative amino acid change located in the Fibronectin type 3 domain (IPR003961) of the encoded protein sequence. Four of five in-silico tools predict a benign effect of the variant on protein function. The variant allele was found at a frequency of 3.2e-05 in 251484 control chromosomes. The available data on variant occurrences in the general population are insufficient to allow any conclusion about variant significance. To our knowledge, no occurrence of c.2599G>A in individuals affected with Hyperinsulinemic Hypoglycemia Familial 5 and no experimental evidence demonstrating its impact on protein function have been reported. ClinVar contains an entry for this variant (Variation ID: 2347314). Based on the evidence outlined above, the variant was classified as uncertain significance.

Ambry Genetics
Classification: Uncertain significance for Inborn genetic diseases. Last evaluated: 2021-07-08. Review status: criteria provided, single submitter. Criteria: Ambry Variant Classification Scheme 2023. Collection method: clinical testing. Allele origin: germline.